The following is an entry in ClinVar:

ClinVar aggregate classification (germline): Pathogenic (1 of 4 stars; one submission).

Conditions:
Hereditary hemorrhagic telangiectasia (HHT). Also called: ORW DISEASE; Osler Weber Rendu syndrome; OSLER-RENDU-WEBER DISEASE; Osler hemorrhagic telangiectasia syndrome. Identifiers: Orphanet 774, MedGen C0039445, MONDO:0019180. Disease mechanism: loss of function.

Submission:

Labcorp Genetics (formerly Invitae), Labcorp
Classification: Pathogenic for Hereditary hemorrhagic telangiectasia. Last evaluated: 2023-02-05. Review status: criteria provided, single submitter. Criteria: Invitae Variant Classification Sherloc (09022015). Collection method: clinical testing. Allele origin: germline.
Comment: For these reasons, this variant has been classified as Pathogenic. This variant has not been reported in the literature in individuals affected with ENG-related conditions. Information on the frequency of this variant in the gnomAD database is not available, as this variant may be reported differently in the database. This sequence change creates a premature translational stop signal (p.Lys291Ilefs*42) in the ENG gene. It is expected to result in an absent or disrupted protein product. Loss-of-function variants in ENG are known to be pathogenic (PMID: 15879500).

Literature cited by the submitters: PubMed 15879500.

NM_001114753.3(ENG):c.872_874delinsT (p.Lys291fs)

Gene: ENG (endoglin; minus strand). Cytogenetic location: 9q34.11.
Variant type: Indel.
Coding change: c.872_874delinsT on transcript NM_001114753.3 (MANE Select); coding-DNA positions 872 to 874, AGC replaced by T.
Protein change: p.Lys291fs; shifts the reading frame from lysine 291.
Molecular consequence: frameshift variant.
Genome position (GRCh38, 1-based): chr9:127,824,917-127,824,919, GCT replaced by A on the plus strand (AGC replaced by T on the coding strand, the reverse complement: ENG is on the minus strand). VCF-style: chr9-127824917-GCT-A. GRCh37 (hg19) VCF-style: chr9-130587196-GCT-A.
Other names: c.872_874delAGCinsT, p.Lys291Ilefs (NM_000118.4, NM_001406715.1); c.326_328delinsT, p.Lys109fs (NM_001278138.2); short protein forms K291fs, K109fs.
Identifiers: ClinVar variation 2094395 (VCV002094395.4), dbSNP rs2539073130, ClinGen allele CA2580079642.